The following is an entry in ClinVar:

ClinVar aggregate classification (germline): Uncertain significance (1 of 4 stars; one submission).

Conditions:
Congenital myasthenic syndrome 2A. Also called: Myasthenic syndrome, congenital, 2a, slow-channel. Identifiers: Orphanet 590, MedGen C4225374, MONDO:0014581, OMIM 616313.

Allele frequency attached by ClinVar (database versions not stated): TOPMed 0.00005; gnomAD exomes 0.00001; ExAC 0.00002; ESP Exome Variant Server 0.00008.
gnomAD v4.1: 12 of 1,614,034 alleles (0.00074%); highest among the groups gnomAD compares: African/African-American, 0.012%; no homozygotes.

Submission:

Labcorp Genetics (formerly Invitae), Labcorp
Classification: Uncertain significance for Congenital myasthenic syndrome 2A. Last evaluated: 2025-02-27. Review status: criteria provided, single submitter. Criteria: Invitae Variant Classification Sherloc (09022015). Collection method: clinical testing. Allele origin: germline.
Comment: This sequence change replaces proline, which is neutral and non-polar, with leucine, which is neutral and non-polar, at codon 371 of the CHRNB1 protein (p.Pro371Leu). This variant is present in population databases (rs371033292, gnomAD 0.02%). This variant has not been reported in the literature in individuals affected with CHRNB1-related conditions. ClinVar contains an entry for this variant (Variation ID: 2895826). Invitae Evidence Modeling of protein sequence and biophysical properties (such as structural, functional, and spatial information, amino acid conservation, physicochemical variation, residue mobility, and thermodynamic stability) indicates that this missense variant is not expected to disrupt CHRNB1 protein function with a negative predictive value of 80%. In summary, the available evidence is currently insufficient to determine the role of this variant in disease. Therefore, it has been classified as a Variant of Uncertain Significance.

NM_000747.3(CHRNB1):c.1112C>T (p.Pro371Leu)

Gene: CHRNB1 (cholinergic receptor nicotinic beta 1 subunit; plus strand). Cytogenetic location: 17p13.1.
Variant type: single nucleotide variant.
Coding change: c.1112C>T on transcript NM_000747.3 (MANE Select); coding-DNA position 1112, C replaced by T.
Protein change: p.Pro371Leu; replaces proline 371 with leucine.
Molecular consequence: missense variant.
Genome position (GRCh38, 1-based): chr17:7,455,351, C>T. VCF-style: chr17-7455351-C-T. GRCh37 (hg19) VCF-style: chr17-7358670-C-T.
Other names: short protein forms P371L.
Identifiers: ClinVar variation 2895826 (VCV002895826.3), dbSNP rs371033292, ClinGen allele CA8347981.